The following is an entry in ClinVar:

ClinVar aggregate classification (germline): Likely benign. Review status: criteria provided, single submitter (1 of 4 stars). 2 submissions from 2 submitters: Likely benign (1). 1 of the submissions does not count toward it. Last evaluated 2022-10-25.

Conditions:
Rubinstein-Taybi syndrome due to EP300 haploinsufficiency. Also called: EP300-Related Rubinstein-Taybi Syndrome; RUBINSTEIN-TAYBI SYNDROME 2. Identifiers: Orphanet 353284, Orphanet 783, MedGen C3150941, MONDO:0013364, OMIM 613684.
EP300-related disorder. Also called: EP300-related disorders; EP300-related condition.

Allele frequency attached by ClinVar (database versions not stated): gnomAD exomes below 0.00001; TOPMed 0.00001 and 0.00002; gnomAD 0.00002 and 0.00003.
gnomAD v4.1: 15 of 1,613,752 alleles (0.00093%); highest among the groups gnomAD compares: African/African-American, 0.0013%; no homozygotes.

Submissions (2):

Labcorp Genetics (formerly Invitae), Labcorp
Classification: Likely benign for Rubinstein-Taybi syndrome due to EP300 haploinsufficiency. Last evaluated: 2022-10-25. Review status: criteria provided, single submitter. Criteria: Invitae Variant Classification Sherloc (09022015). Collection method: clinical testing. Allele origin: germline.

PreventionGenetics, part of Exact Sciences
Classification: Likely benign for EP300-related condition. Last evaluated: 2021-10-07. Review status: no assertion criteria provided. Collection method: clinical testing. Allele origin: germline. Not counted in ClinVar's aggregate classification.
Comment: This variant is classified as likely benign based on ACMG/AMP sequence variant interpretation guidelines (Richards et al. 2015 PMID: 25741868, with internal and published modifications).

NM_001429.4(EP300):c.726T>A (p.Leu242=)

Gene: EP300 (EP300 lysine acetyltransferase; plus strand). Cytogenetic location: 22q13.2.
Variant type: single nucleotide variant.
Coding change: c.726T>A on transcript NM_001429.4 (MANE Select); coding-DNA position 726, T replaced by A.
Protein change: p.Leu242=; no amino-acid change (leucine 242 retained).
Molecular consequence: synonymous variant.
Genome position (GRCh38, 1-based): chr22:41,117,818, T>A. VCF-style: chr22-41117818-T-A. GRCh37 (hg19) VCF-style: chr22-41513822-T-A.
Other names: c.726T>A, p.Leu242= (NM_001362843.2).
Identifiers: ClinVar variation 2040529 (VCV002040529.5), dbSNP rs886057555, ClinGen allele CA10645590.